The following is an entry in ClinVar:

ClinVar aggregate classification (germline): Uncertain significance (1 of 4 stars; one submission).

Conditions:
Snijders blok-fisher syndrome. Identifiers: Orphanet 656135, MedGen C5231424, MONDO:0032830, OMIM 618604.

Submission:

Centre of Medical Genetics, University Hospital Muenster
Classification: Uncertain significance for Snijders blok-fisher syndrome. Last evaluated: 2022-02-16. Review status: criteria provided, single submitter. Criteria: ACMG Guidelines, 2015. Collection method: clinical testing. Allele origin: germline. Affected: yes. Observed: 1 variant allele, 1 heterozygote.
Comment: ACMG categories: PM2,PP3

NM_006236.3(POU3F3):c.1376A>C (p.Gln459Pro)

Gene: POU3F3 (POU class 3 homeobox 3; plus strand). Cytogenetic location: 2q12.1.
Variant type: single nucleotide variant.
Coding change: c.1376A>C on transcript NM_006236.3 (MANE Select); coding-DNA position 1376, A replaced by C.
Protein change: p.Gln459Pro; replaces glutamine 459 with proline.
Molecular consequence: missense variant.
Genome position (GRCh38, 1-based): chr2:104,856,886, A>C. VCF-style: chr2-104856886-A-C. GRCh37 (hg19) VCF-style: chr2-105473344-A-C.
Other names: short protein forms Q459P.
Identifiers: ClinVar variation 1675176 (VCV001675176.2), dbSNP rs2104341271, ClinGen allele CA348098827.
Genomic context (GRCh38, chr2:104,856,886, plus strand): 5'-TGGCCGACAGCCTGCAGCTCGAGAAGGAGGTGGTGCGGGTCTGGTTCTGCAATCGGCGCC[A>C]AAAGGAGAAGCGCATGACGCCGCCCGGGATCCAACAGCAGACGCCCGACGACGTCTACTC-3'
Protein context (NP_006227.1, residues 449-469): VVRVWFCNRR[Gln459Pro]KEKRMTPPGI